The following is an entry in ClinVar:

ClinVar aggregate classification (germline): Uncertain significance. Review status: criteria provided, multiple submitters, no conflicts (2 of 4 stars). 2 submissions from 2 submitters: Uncertain significance (2). Last evaluated 2024-02-07.

Conditions:
Paramyotonia congenita of Von Eulenburg. Also called: PARALYSIS PERIODICA PARAMYOTONICA; Paramyotonia Congenita; Eulenburg disease; Myotonia congenita intermittens; Von Eulenburg paramyotonia congenita. Identifiers: Orphanet 684, MedGen C0221055, MONDO:0008195, OMIM 168300. Disease mechanism: loss of function.
Congenital myasthenic syndrome 16. Identifiers: Orphanet 590, MedGen C3280112, MONDO:0013620, OMIM 614198.
Potassium-aggravated myotonia. Also called: MYOTONIA CONGENITA, ACETAZOLAMIDE-RESPONSIVE; MYOTONIA CONGENITA, ATYPICAL; SODIUM CHANNEL MUSCLE DISEASE; Myotonia congenita, atypical, acetazolamide-responsive. Identifiers: Orphanet 612, Orphanet 99734, Orphanet 99735, Orphanet 99736, MedGen C2931826, MONDO:0018959, OMIM 608390.
Hypokalemic periodic paralysis, type 2 (HOKPP2). Identifiers: Orphanet 681, MedGen C2750061, MONDO:0013234, OMIM 613345.
Hyperkalemic periodic paralysis. Also called: Familial hyperkalemic periodic paralysis; Gamstorp disease. Identifiers: Orphanet 682, MedGen C0238357, MONDO:0008224, OMIM 170500, HP:0007215.
Congenital myopathy 22A, classic (CMYO22A). Identifiers: MedGen C5830453, MONDO:0957247, OMIM 620351.
Congenital myopathy 22B, severe fetal (CMYO22B). Identifiers: MedGen C5830501, MONDO:0957265, OMIM 620369.

Submissions (2):

Fulgent Genetics
Classification: Uncertain significance for Paramyotonia congenita of Von Eulenburg; Hyperkalemic periodic paralysis; Potassium-aggravated myotonia; Hypokalemic periodic paralysis, type 2; Congenital myasthenic syndrome 16; Congenital myopathy 22A, classic; Congenital myopathy 22B, severe fetal. Last evaluated: 2024-02-07. Review status: criteria provided, single submitter. Criteria: ACMG Guidelines, 2015. Collection method: clinical testing. Allele origin: germline.

Labcorp Genetics (formerly Invitae), Labcorp
Classification: Uncertain significance for Hyperkalemic periodic paralysis. Last evaluated: 2022-11-08. Review status: criteria provided, single submitter. Criteria: Invitae Variant Classification Sherloc (09022015). Collection method: clinical testing. Allele origin: germline.
Comment: In summary, the available evidence is currently insufficient to determine the role of this variant in disease. Therefore, it has been classified as a Variant of Uncertain Significance. Advanced modeling of protein sequence and biophysical properties (such as structural, functional, and spatial information, amino acid conservation, physicochemical variation, residue mobility, and thermodynamic stability) performed at Invitae indicates that this missense variant is not expected to disrupt SCN4A protein function. ClinVar contains an entry for this variant (Variation ID: 1397359). This variant has not been reported in the literature in individuals affected with SCN4A-related conditions. This variant is not present in population databases (gnomAD no frequency). This sequence change replaces threonine, which is neutral and polar, with alanine, which is neutral and non-polar, at codon 378 of the SCN4A protein (p.Thr378Ala).

NM_000334.4(SCN4A):c.1132A>G (p.Thr378Ala)

Gene: SCN4A (sodium voltage-gated channel alpha subunit 4; minus strand). Cytogenetic location: 17q23.3.
Variant type: single nucleotide variant.
Coding change: c.1132A>G on transcript NM_000334.4 (MANE Select); coding-DNA position 1132, A replaced by G.
Protein change: p.Thr378Ala; replaces threonine 378 with alanine.
Molecular consequence: missense variant.
Genome position (GRCh38, 1-based): chr17:63,966,212, T>C on the plus strand (A>G on the coding strand, the complement: SCN4A is on the minus strand). VCF-style: chr17-63966212-T-C. GRCh37 (hg19) VCF-style: chr17-62043572-T-C.
Other names: short protein forms T378A.
Identifiers: ClinVar variation 1397359 (VCV001397359.9), dbSNP rs2144807432, ClinGen allele CA400636397.